The following is an entry in ClinVar:

NM_006648.4(WNK2):c.4034A>G (p.Asp1345Gly)

Gene: WNK2 (WNK lysine deficient protein kinase 2; plus strand). Cytogenetic location: 9q22.31.
Variant type: single nucleotide variant.
Coding change: c.4034A>G on transcript NM_006648.4 (MANE Select); coding-DNA position 4034, A replaced by G.
Protein change: p.Asp1345Gly; replaces aspartic acid 1345 with glycine.
Molecular consequence: missense variant.
Genome position (GRCh38, 1-based): chr9:93,288,788, A>G. VCF-style: chr9-93288788-A-G. GRCh37 (hg19) VCF-style: chr9-96051070-A-G.
Other names: c.4145A>G, p.Asp1382Gly (NM_001282394.3); short protein forms D1382G, D1345G.
Identifiers: ClinVar variation 4842125 (VCV004842125.1).

ClinVar aggregate classification (germline): Uncertain significance (1 of 4 stars; one submission).

gnomAD v4.1: 2 of 1,608,662 alleles (0.00012%); highest among the groups gnomAD compares: South Asian, 0.0011%; no homozygotes.

Submission:

Ambry Genetics
Classification: Uncertain significance. Last evaluated: 2026-01-05. Review status: criteria provided, single submitter. Criteria: Ambry Variant Classification Scheme 2023. Collection method: clinical testing. Allele origin: germline.
Comment: The p.D1345G variant (also known as c.4034A>G) is located in coding exon 19 of the WNK2 gene. The aspartic acid at codon 1345 is replaced by glycine, an amino acid with similar properties. This change occurs in the first base pair of coding exon 19. This amino acid position is conserved. In addition, this alteration is predicted to be tolerated by in silico analysis. Based on the available evidence, the clinical significance of this variant remains unclear.